The following is an entry in ClinVar:

NM_001048174.2(MUTYH):c.317A>G (p.Glu106Gly)

Gene: MUTYH (mutY DNA glycosylase; minus strand). Cytogenetic location: 1p34.1.
Variant type: single nucleotide variant.
Coding change: c.317A>G on transcript NM_001048174.2 (MANE Select); coding-DNA position 317, A replaced by G.
Protein change: p.Glu106Gly; replaces glutamic acid 106 with glycine.
Molecular consequence: missense variant. On other transcripts: non-coding transcript variant (6), intron variant (3).
Genome position (GRCh38, 1-based): chr1:45,333,158, T>C on the plus strand (A>G on the coding strand, the complement: MUTYH is on the minus strand). VCF-style: chr1-45333158-T-C. GRCh37 (hg19) VCF-style: chr1-45798830-T-C.
Other names: c.362A>G, p.Glu121Gly (NM_001293190.2); c.350A>G, p.Glu117Gly (NM_001293191.2, NM_001407077.1); c.41A>G, p.Glu14Gly (NM_001293192.2, NM_001293196.2, NM_001407091.1); c.317A>G, p.Glu106Gly (NM_001293195.2, NM_001407070.1, NM_001407072.1 and 6 more transcripts); c.392A>G, p.Glu131Gly (NM_001407069.1, NM_012222.3); c.320A>G, p.Glu107Gly (NM_001407071.1, NM_001048172.2, NM_001407078.1 and 2 more transcripts); c.338A>G, p.Glu113Gly (NM_001407087.1); c.33+127A>G (NM_001350651.2, NM_001350650.2, NM_001407082.1); and 3 more; short protein forms E117G, E121G, E134G, E14G, E106G, E120G, E131G, E78G.
Identifiers: ClinVar variation 3297039 (VCV003297039.2).

ClinVar aggregate classification (germline): Likely pathogenic. Review status: criteria provided, multiple submitters, no conflicts (2 of 4 stars). 2 submissions from 2 submitters: Likely pathogenic (2). Last evaluated 2026-07-09.

Conditions:
Familial adenomatous polyposis 2. Also called: COLORECTAL ADENOMATOUS POLYPOSIS, AUTOSOMAL RECESSIVE; ADENOMAS, MULTIPLE COLORECTAL, AUTOSOMAL RECESSIVE; MYH-associated polyposis; FAP type 2; MUTYH-associated polyposis; MUTYH Polyposis. Identifiers: Orphanet 220460, Orphanet 247798, MedGen C3272841, MONDO:0012041, OMIM 608456.
Hereditary cancer-predisposing syndrome. Also called: Neoplastic Syndromes, Hereditary; Tumor predisposition; Hereditary neoplastic syndrome; Hereditary Cancer Syndrome. Identifiers: Orphanet 140162, MedGen C0027672, MeSH D009386, MONDO:0015356.

gnomAD v4.1: 1 of 1,613,768 alleles (0.000062%); no homozygotes.

Submissions (2):

Myriad Genetics, Inc.
Classification: Likely pathogenic for Familial adenomatous polyposis 2. Last evaluated: 2026-07-09. Review status: criteria provided, single submitter. Criteria: Myriad Autosomal Dominant, Autosomal Recessive and X-Linked Classification Criteria (2023). Collection method: clinical testing. Allele origin: unknown.
Comment: This variant is considered likely pathogenic. Functional studies indicate this variant impacts protein function [PMID: 40738107]. This variant is expected to disrupt protein structure [Myriad internal data].

Ambry Genetics
Classification: Likely pathogenic for Hereditary cancer-predisposing syndrome. Last evaluated: 2024-03-15. Review status: criteria provided, single submitter. Criteria: Ambry Variant Classification Scheme 2023. Collection method: clinical testing. Allele origin: germline.
Comment: The p.E134G variant (also known as c.401A>G), located in coding exon 5 of the MUTYH gene, results from an A to G substitution at nucleotide position 401. The glutamic acid at codon 134 is replaced by glycine, an amino acid with similar properties. The variant is moderately destabilizing to the local structure (Ambry internal data; Luncsford PJ et al. J Mol Biol, 2010 Oct;403:351-70). This amino acid position is highly conserved in available vertebrate species. In addition, this alteration is predicted to be deleterious by in silico analysis. This variant is considered to be rare based on population cohorts in the Genome Aggregation Database (gnomAD). Based on the majority of available evidence to date, this variant is likely to be pathogenic.

Literature cited by the submitters: PubMed 40738107 (cited by Myriad Genetics, Inc.); PubMed 20816984 (cited by Ambry Genetics).